The following is an entry in ClinVar:

NM_001160372.4(TRAPPC9):c.431_446del (p.Val144fs)

Gene: TRAPPC9 (trafficking protein particle complex subunit 9; minus strand). Cytogenetic location: 8q24.3.
Variant type: Deletion.
Coding change: c.431_446del on transcript NM_001160372.4 (MANE Select); coding-DNA positions 431 to 446, 16 bases deleted (TGGAGAAGAGAATCGA).
Protein change: p.Val144fs; shifts the reading frame from valine 144.
Molecular consequence: frameshift variant. On other transcripts: non-coding transcript variant (1).
Genome position (GRCh38, 1-based): chr8:140,450,928-140,450,943, TCGATTCTCTTCTCCA deleted on the plus strand (TGGAGAAGAGAATCGA on the coding strand, the reverse complement: TRAPPC9 is on the minus strand). VCF-style (leftmost placement, unchanged base first): chr8-140450927-CTCGATTCTCTTCTCCA-C. GRCh37 (hg19) VCF-style: chr8-141461026-CTCGATTCTCTTCTCCA-C.
Other names: NR_164662.1:n.547_562del; c.431_446del, p.Val144fs (NM_001321646.2, NM_001374682.1, NM_001374683.1 and 2 more transcripts); short protein forms V144fs.
Identifiers: ClinVar variation 2500918 (VCV002500918.1), dbSNP rs2540541768, ClinGen allele CA2579754019.

ClinVar aggregate classification (germline): Uncertain significance (1 of 4 stars; one submission).

Conditions:
Intellectual developmental disorder, autosomal recessive 13. Also called: Intellectual disability, autosomal recessive 13. Identifiers: Orphanet 88616, MedGen C2750791, MONDO:0013173, OMIM 613192.

Submission:

Broad Center for Mendelian Genomics, Broad Institute of MIT and Harvard
Classification: Uncertain significance for Intellectual developmental disorder, autosomal recessive 13. Last evaluated: 2023-05-02. Review status: criteria provided, single submitter. Criteria: ACMG Guidelines, 2015. Collection method: curation. Allele origin: germline. Inheritance: Autosomal recessive inheritance.
Comment: The p.Val144GlufsTer138 variant in TRAPPC9 has not been previously reported in individuals with autosomal recessive intellectual developmental disorder 13. This variant was absent from large population studies. This variant is predicted to cause a frameshift, which alters the protein‚Äôs amino acid sequence beginning at position 144 and leads to a premature termination codon 138 amino acids downstream. This alteration is then predicted to lead to a truncated or absent protein. Loss of function of the TRAPPC9 gene is an established disease mechanism in autosomal recessive intellectual developmental disorder 13. In summary, although additional studies are required to fully establish its clinical significance, this variant is likely pathogenic for autosomal recessive intellectual developmental disorder 13. ACMG/AMP Criteria applied: PVS1, PM2_Supporting (Richards 2015).